The following is an entry in ClinVar:

NM_182706.5(SCRIB):c.2115+10A>G

Gene: SCRIB (scribble planar cell polarity protein; minus strand). Cytogenetic location: 8q24.3.
Variant type: single nucleotide variant.
Coding change: c.2115+10A>G on transcript NM_182706.5 (MANE Select); 10 bases into the intron after coding-DNA position 2115, A replaced by G.
Molecular consequence: intron variant.
Genome position (GRCh38, 1-based): chr8:143,808,599, T>C on the plus strand (A>G on the coding strand, the complement: SCRIB is on the minus strand). VCF-style: chr8-143808599-T-C. GRCh37 (hg19) VCF-style: chr8-144890769-T-C.
Other names: c.2115+10A>G (NM_015356.5).
Identifiers: ClinVar variation 3055736 (VCV003055736.3), dbSNP rs201609809, ClinGen allele CA187608937.

ClinVar aggregate classification (germline): Likely benign. Review status: criteria provided, single submitter (1 of 4 stars). 2 submissions from 2 submitters: Likely benign (1). 1 of the submissions does not count toward it. Last evaluated 2024-11-27.

Conditions:
SCRIB-related disorder. Also called: SCRIB-related condition.

Allele frequency attached by ClinVar (database versions not stated): 1000 Genomes Project 30x 0.00078; 1000 Genomes Project 0.00080; TOPMed 0.00228; gnomAD 0.00284; ExAC 0.00354; ESP Exome Variant Server 0.00354; gnomAD exomes 0.00362.
gnomAD v4.1: 5,288 of 1,505,390 alleles (0.35%); highest among the groups gnomAD compares: Non-Finnish European, 0.42%; 16 homozygotes.

Submissions (2):

Blueprint Genetics
Classification: Likely benign. Last evaluated: 2024-11-27. Review status: criteria provided, single submitter. Criteria: ACMG Guidelines, 2015. Collection method: clinical testing. Allele origin: germline.

PreventionGenetics, part of Exact Sciences
Classification: Likely benign for SCRIB-related condition. Last evaluated: 2019-03-06. Review status: no assertion criteria provided. Collection method: clinical testing. Allele origin: germline. Not counted in ClinVar's aggregate classification.
Comment: This variant is classified as likely benign based on ACMG/AMP sequence variant interpretation guidelines (Richards et al. 2015 PMID: 25741868, with internal and published modifications).